The following is an entry in ClinVar:

NM_012210.4(TRIM32):c.1540G>A (p.Val514Met)

Genes: ASTN2 (astrotactin 2; minus strand), TRIM32 (tripartite motif containing 32; plus strand). Cytogenetic location: 9q33.1.
Variant type: single nucleotide variant.
Coding change: c.1540G>A on transcript NM_012210.4 (MANE Select); coding-DNA position 1540, G replaced by A.
Protein change: p.Val514Met; replaces valine 514 with methionine.
Molecular consequence: missense variant. On other transcripts: intron variant (3).
Genome position (GRCh38, 1-based): chr9:116,699,282, G>A. VCF-style: chr9-116699282-G-A. GRCh37 (hg19) VCF-style: chr9-119461561-G-A.
Other names: c.1540G>A, p.Val514Met (NM_001099679.2, NM_001379048.1, NM_001379049.1 and 1 more transcripts); c.2653+26489C>T (NM_014010.5); c.2794+26489C>T (NM_001365069.1); c.2806+26489C>T (NM_001365068.1); short protein forms V514M.
Identifiers: ClinVar variation 1445506 (VCV001445506.7), dbSNP rs755369647, ClinGen allele CA5211168.

ClinVar aggregate classification (germline): Uncertain significance. Review status: criteria provided, multiple submitters, no conflicts (2 of 4 stars). 2 submissions from 2 submitters: Uncertain significance (2). Last evaluated 2025-02-19.

Conditions:
TRIM32-related disorder. Also called: TRIM32-related condition.
Bardet-Biedl syndrome (BBS). Identifiers: Orphanet 110, MedGen C0752166, MONDO:0015229.

Allele frequency attached by ClinVar (database versions not stated): ExAC 0.00001; gnomAD exomes 0.00001.
gnomAD v4.1: 5 of 1,614,216 alleles (0.00031%); highest among the groups gnomAD compares: South Asian, 0.0033%; no homozygotes.

Submissions (2):

PreventionGenetics, part of Exact Sciences
Classification: Uncertain significance for TRIM32-related condition. Last evaluated: 2025-02-19. Review status: criteria provided, single submitter. Criteria: ACMG Guidelines, 2015. Collection method: clinical testing. Allele origin: germline.
Comment: The TRIM32 c.1540G>A variant is predicted to result in the amino acid substitution p.Val514Met. To our knowledge, this variant has not been reported in the literature. This variant is reported in 0.0065% of alleles in individuals of South Asian descent in gnomAD. At this time, the clinical significance of this variant is uncertain due to the absence of conclusive functional and genetic evidence.

Labcorp Genetics (formerly Invitae), Labcorp
Classification: Uncertain significance for Bardet-Biedl syndrome. Last evaluated: 2023-12-22. Review status: criteria provided, single submitter. Criteria: Invitae Variant Classification Sherloc (09022015). Collection method: clinical testing. Allele origin: germline.
Comment: This sequence change replaces valine, which is neutral and non-polar, with methionine, which is neutral and non-polar, at codon 514 of the TRIM32 protein (p.Val514Met). This variant is present in population databases (rs755369647, gnomAD 0.006%). This variant has not been reported in the literature in individuals affected with TRIM32-related conditions. ClinVar contains an entry for this variant (Variation ID: 1445506). An algorithm developed to predict the effect of missense changes on protein structure and function (PolyPhen-2) suggests that this variant is likely to be disruptive. In summary, the available evidence is currently insufficient to determine the role of this variant in disease. Therefore, it has been classified as a Variant of Uncertain Significance.